The following is an entry in ClinVar:

ClinVar aggregate classification (germline): Uncertain significance (1 of 4 stars; one submission).

Allele frequency attached by ClinVar (database versions not stated): TOPMed below 0.00001; gnomAD 0.00001; gnomAD exomes 0.00001; ExAC 0.00002.
gnomAD v4.1: 10 of 1,614,092 alleles (0.00062%); highest among the groups gnomAD compares: Admixed American, 0.0033%; no homozygotes.

Submission:

Labcorp Genetics (formerly Invitae), Labcorp
Classification: Uncertain significance. Last evaluated: 2022-06-27. Review status: criteria provided, single submitter. Criteria: Invitae Variant Classification Sherloc (09022015). Collection method: clinical testing. Allele origin: germline.
Comment: In summary, the available evidence is currently insufficient to determine the role of this variant in disease. Therefore, it has been classified as a Variant of Uncertain Significance. Algorithms developed to predict the effect of missense changes on protein structure and function are either unavailable or do not agree on the potential impact of this missense change (SIFT: "Tolerated"; PolyPhen-2: "Possibly Damaging"; Align-GVGD: "Class C0"). This variant has not been reported in the literature in individuals affected with ANKZF1-related conditions. This variant is present in population databases (rs779854174, gnomAD 0.006%). This sequence change replaces arginine, which is basic and polar, with glutamine, which is neutral and polar, at codon 625 of the ANKZF1 protein (p.Arg625Gln).

NM_018089.3(ANKZF1):c.1874G>A (p.Arg625Gln)

Gene: ANKZF1 (ankyrin repeat and zinc finger peptidyl tRNA hydrolase 1; plus strand). Cytogenetic location: 2q35.
Variant type: single nucleotide variant.
Coding change: c.1874G>A on transcript NM_018089.3 (MANE Select); coding-DNA position 1874, G replaced by A.
Protein change: p.Arg625Gln; replaces arginine 625 with glutamine.
Molecular consequence: missense variant.
Genome position (GRCh38, 1-based): chr2:219,235,778, G>A. VCF-style: chr2-219235778-G-A. GRCh37 (hg19) VCF-style: chr2-220100500-G-A.
Other names: c.1874G>A, p.Arg625Gln (NM_001042410.2); c.1244G>A, p.Arg415Gln (NM_001282792.2); short protein forms R415Q, R625Q.
Identifiers: ClinVar variation 1460935 (VCV001460935.6), dbSNP rs779854174, ClinGen allele CA2121211.
Genomic context (GRCh38, chr2:219,235,778, plus strand): 5'-CATTGACACCAGAAATGGAGGCACGGCAGGCTACACGGAAAAGGGAGCAGAAGGCAGCCC[G>A]GCGGCAACGGGAGGAACAGCAGCAGAGGCAGCAGGAGCAGGAGGAGCGTGAACGAGAAGA-3'
Protein context (NP_060559.2, residues 615-635): ATRKREQKAA[Arg625Gln]RQREEQQQRQ